The following is an entry in ClinVar:

NM_015512.5(DNAH1):c.5272G>A (p.Val1758Met)

Gene: DNAH1 (dynein axonemal heavy chain 1; plus strand). Cytogenetic location: 3p21.1.
Variant type: single nucleotide variant.
Coding change: c.5272G>A on transcript NM_015512.5 (MANE Select); coding-DNA position 5272, G replaced by A.
Protein change: p.Val1758Met; replaces valine 1758 with methionine.
Molecular consequence: missense variant.
Genome position (GRCh38, 1-based): chr3:52,364,665, G>A. VCF-style: chr3-52364665-G-A. GRCh37 (hg19) VCF-style: chr3-52398681-G-A.
Other names: short protein forms V1758M.
Identifiers: ClinVar variation 2386297 (VCV002386297.4), dbSNP rs780678190, ClinGen allele CA2434158.

ClinVar aggregate classification (germline): Uncertain significance. Review status: criteria provided, multiple submitters, no conflicts (2 of 4 stars). 2 submissions from 2 submitters: Uncertain significance (2). Last evaluated 2024-04-09.

Allele frequency attached by ClinVar (database versions not stated): gnomAD 0.00001; ExAC 0.00002; TOPMed 0.00003.
gnomAD v4.1: 19 of 1,613,864 alleles (0.0012%); highest among the groups gnomAD compares: Non-Finnish European, 0.0013%; no homozygotes.

Submissions (2):

Ambry Genetics
Classification: Uncertain significance. Last evaluated: 2024-04-09. Review status: criteria provided, single submitter. Criteria: Ambry Variant Classification Scheme 2023. Collection method: clinical testing. Allele origin: germline.

GeneDx
Classification: Uncertain significance. Last evaluated: 2022-09-01. Review status: criteria provided, single submitter. Criteria: GeneDx Variant Classification Process June 2021. Collection method: clinical testing. Allele origin: germline. Affected: yes.
Comment: In silico analysis supports that this missense variant has a deleterious effect on protein structure/function; Has not been previously published as pathogenic or benign to our knowledge